The following is an entry in ClinVar:

NM_000260.4(MYO7A):c.1929G>T (p.Lys643Asn)

Gene: MYO7A (myosin VIIA; plus strand). Cytogenetic location: 11q13.5.
Variant type: single nucleotide variant.
Coding change: c.1929G>T on transcript NM_000260.4 (MANE Select); coding-DNA position 1929, G replaced by T.
Protein change: p.Lys643Asn; replaces lysine 643 with asparagine.
Molecular consequence: missense variant.
Genome position (GRCh38, 1-based): chr11:77,172,879, G>T. VCF-style: chr11-77172879-G-T. GRCh37 (hg19) VCF-style: chr11-76883925-G-T.
Other names: c.1929G>T, p.Lys643Asn (NM_001127180.2); c.1896G>T, p.Lys632Asn (NM_001369365.1); short protein forms K643N, K632N.
Identifiers: ClinVar variation 942927 (VCV000942927.4), dbSNP rs1450021975, ClinGen allele CA381938623.

ClinVar aggregate classification (germline): Uncertain significance (1 of 4 stars; one submission).

Allele frequency attached by ClinVar (database versions not stated): TOPMed below 0.00001; gnomAD 0.00001.
gnomAD v4.1: 53 of 1,550,006 alleles (0.0034%); highest among the groups gnomAD compares: Non-Finnish European, 0.0042%; no homozygotes.

Submission:

Labcorp Genetics (formerly Invitae), Labcorp
Classification: Uncertain significance. Last evaluated: 2025-10-09. Review status: criteria provided, single submitter. Criteria: Invitae Variant Classification Sherloc (09022015). Collection method: clinical testing. Allele origin: germline.
Comment: This sequence change replaces lysine, which is basic and polar, with asparagine, which is neutral and polar, at codon 643 of the MYO7A protein (p.Lys643Asn). This variant is not present in population databases (gnomAD no frequency). This variant has not been reported in the literature in individuals affected with MYO7A-related conditions. ClinVar contains an entry for this variant (Variation ID: 942927). Invitae Evidence Modeling of protein sequence and biophysical properties (such as structural, functional, and spatial information, amino acid conservation, physicochemical variation, residue mobility, and thermodynamic stability) has been performed for this missense variant. However, the output from this modeling did not meet the statistical confidence thresholds required to predict the impact of this variant on MYO7A protein function. In summary, the available evidence is currently insufficient to determine the role of this variant in disease. Therefore, it has been classified as a Variant of Uncertain Significance.